The following is an entry in ClinVar:

NM_021956.5(GRIK2):c.1955C>G (p.Thr652Ser)

Gene: GRIK2 (glutamate ionotropic receptor kainate type subunit 2; plus strand). Cytogenetic location: 6q16.3.
Variant type: single nucleotide variant.
Coding change: c.1955C>G on transcript NM_021956.5 (MANE Select); coding-DNA position 1955, C replaced by G.
Protein change: p.Thr652Ser; replaces threonine 652 with serine.
Molecular consequence: missense variant.
Genome position (GRCh38, 1-based): chr6:101,928,502, C>G. VCF-style: chr6-101928502-C-G. GRCh37 (hg19) VCF-style: chr6-102376377-C-G.
Other names: c.1955C>G, p.Thr652Ser (NM_001166247.1, NM_175768.3); short protein forms T652S.
Identifiers: ClinVar variation 4855919 (VCV004855919.1).

ClinVar aggregate classification (germline): Uncertain significance (1 of 4 stars; one submission).

Conditions:
Neurodevelopmental disorder with impaired language and ataxia and with or without seizures. Identifiers: MedGen C5562006, MONDO:0859201, OMIM 619580.

Submission:

3billion
Classification: Uncertain significance for Neurodevelopmental disorder with impaired language and ataxia and with or without seizures. Last evaluated: 2025-07-21. Review status: criteria provided, single submitter. Criteria: ACMG Guidelines, 2015. Collection method: clinical testing. Allele origin: germline. Affected: yes.
Comment: The variant is not observed in the gnomAD v4.1.0 dataset. Predicted Consequence/Location: Missense variant In silico tool predictions suggest damaging effect of the variant on gene or gene product [REVEL: 0.72 (>=0.6, sensitivity 0.68 and specificity 0.92); 3Cnet: 0.99 (> 0.75, sensitivity 0.96 and precision 0.92)]. Therefore, this variant is classified as VUS according to the recommendation of ACMG/AMP guideline.